The following is an entry in ClinVar:

NM_015450.3(POT1):c.1883C>T (p.Thr628Ile)

Gene: POT1 (protection of telomeres 1; minus strand). Cytogenetic location: 7q31.33.
Variant type: single nucleotide variant.
Coding change: c.1883C>T on transcript NM_015450.3 (MANE Select); coding-DNA position 1883, C replaced by T.
Protein change: p.Thr628Ile; replaces threonine 628 with isoleucine.
Molecular consequence: missense variant. On other transcripts: non-coding transcript variant (3).
Genome position (GRCh38, 1-based): chr7:124,823,984, G>A on the plus strand (C>T on the coding strand, the complement: POT1 is on the minus strand). VCF-style: chr7-124823984-G-A. GRCh37 (hg19) VCF-style: chr7-124464038-G-A.
Other names: c.1883C>T (NM_015450.2); c.1490C>T, p.Thr497Ile (NM_001042594.2); short protein forms T497I, T628I.
Identifiers: ClinVar variation 3614230 (VCV003614230.3).
Genomic context (GRCh38, chr7:124,823,984, plus strand): 5'-GTGGCAACATTTTATGTATGCTAAATTGGATGGCAATATTAGATTACATCTTCTGCAACT[G>A]TGGTGTCAAAAATCTGATAGCAAATTTGATTATCTGTTCCATTTGTGACATTGTATGACT-3'
Protein context (NP_056265.2, residues 618-634): NQICYQIFDT[Thr628Ile]VAEDVI

ClinVar aggregate classification (germline): Uncertain significance. Review status: criteria provided, multiple submitters, no conflicts (2 of 4 stars). 2 submissions from 2 submitters: Uncertain significance (2). Last evaluated 2025-01-09.

Conditions:
Tumor predisposition syndrome 3 (TPDS3). Also called: Melanoma, cutaneous malignant, susceptibility to, 10; Glioma susceptibility 9; LONG TELOMERE SYNDROME, POT1-RELATED; POT1 Tumor Predisposition. Identifiers: Orphanet 618, MedGen C4014476, MONDO:0014368, OMIM 615848.
Hereditary cancer-predisposing syndrome. Also called: Neoplastic Syndromes, Hereditary; Tumor predisposition; Hereditary Cancer Syndrome; Hereditary neoplastic syndrome. Identifiers: Orphanet 140162, MedGen C0027672, MeSH D009386, MONDO:0015356.

gnomAD v4.1: 1 of 1,588,732 alleles (0.000063%); highest among the groups gnomAD compares: Non-Finnish European, 0.000086%; no homozygotes.

Submissions (2):

Ambry Genetics
Classification: Uncertain significance for Hereditary cancer-predisposing syndrome. Last evaluated: 2025-01-09. Review status: criteria provided, single submitter. Criteria: Ambry Variant Classification Scheme 2023. Collection method: clinical testing. Allele origin: germline.
Comment: The p.T628I variant (also known as c.1883C>T), located in coding exon 15 of the POT1 gene, results from a C to T substitution at nucleotide position 1883. The threonine at codon 628 is replaced by isoleucine, an amino acid with similar properties. This amino acid position is conserved. In addition, this alteration is predicted to be tolerated by in silico analysis. Based on the available evidence, the clinical significance of this variant remains unclear.

Labcorp Genetics (formerly Invitae), Labcorp
Classification: Uncertain significance for Tumor predisposition syndrome 3. Last evaluated: 2024-05-26. Review status: criteria provided, single submitter. Criteria: Invitae Variant Classification Sherloc (09022015). Collection method: clinical testing. Allele origin: germline.
Comment: This sequence change replaces threonine, which is neutral and polar, with isoleucine, which is neutral and non-polar, at codon 628 of the POT1 protein (p.Thr628Ile). This variant is not present in population databases (gnomAD no frequency). This variant has not been reported in the literature in individuals affected with POT1-related conditions. Advanced modeling of protein sequence and biophysical properties (such as structural, functional, and spatial information, amino acid conservation, physicochemical variation, residue mobility, and thermodynamic stability) performed at Invitae indicates that this missense variant is not expected to disrupt POT1 protein function with a negative predictive value of 80%. In summary, the available evidence is currently insufficient to determine the role of this variant in disease. Therefore, it has been classified as a Variant of Uncertain Significance.